The following is an entry in ClinVar:

NM_014362.4(HIBCH):c.517+15T>A

Gene: HIBCH (3-hydroxyisobutyryl-CoA hydrolase; minus strand). Cytogenetic location: 2q32.2.
Variant type: single nucleotide variant.
Coding change: c.517+15T>A on transcript NM_014362.4 (MANE Select); 15 bases into the intron after coding-DNA position 517, T replaced by A.
Molecular consequence: intron variant.
Genome position (GRCh38, 1-based): chr2:190,261,141, A>T on the plus strand (T>A on the coding strand, the complement: HIBCH is on the minus strand). VCF-style: chr2-190261141-A-T. GRCh37 (hg19) VCF-style: chr2-191125867-A-T.
Other names: c.517+15T>A (NM_198047.3).
Identifiers: ClinVar variation 380103 (VCV000380103.11), dbSNP rs291417, ClinGen allele CA2027608.

ClinVar aggregate classification (germline): Benign. Review status: criteria provided, multiple submitters, no conflicts (2 of 4 stars). 3 submissions from 3 submitters: Benign (3). Last evaluated 2026-02-01.

Conditions:
3-hydroxyisobutyryl-CoA hydrolase deficiency. Also called: METHACRYLIC ACID TOXICITY; METHACRYLIC ACIDURIA; Reduced circulating 3-hydroxyisobutyryl-CoA hydrolase activity; Deficiency of 3-hydroxyisobutyryl CoA hydrolase; VALINE METABOLIC DEFECT; HIBCH DEFICIENCY. Identifiers: Orphanet 88639, MedGen C0342738, MONDO:0009603, OMIM 250620, HP:6000215.

Allele frequency attached by ClinVar (database versions not stated): ESP Exome Variant Server 0.02025; gnomAD 0.02472 and 0.02740; gnomAD exomes 0.02550 and 0.03347; TOPMed 0.02691; ExAC 0.03529; 1000 Genomes Project 0.05771; 1000 Genomes Project 30x 0.05903.

Submissions (3):

Labcorp Genetics (formerly Invitae), Labcorp
Classification: Benign for 3-hydroxyisobutyryl-CoA hydrolase deficiency. Last evaluated: 2026-02-01. Review status: criteria provided, single submitter. Criteria: Invitae Variant Classification Sherloc (09022015). Collection method: clinical testing. Allele origin: germline.

GeneDx
Classification: Benign. Last evaluated: 2015-12-21. Review status: criteria provided, single submitter. Criteria: GeneDx Variant Classification (06012015). Collection method: clinical testing. Allele origin: germline. Affected: yes.
Comment: This variant is considered likely benign or benign based on one or more of the following criteria: it is a conservative change, it occurs at a poorly conserved position in the protein, it is predicted to be benign by multiple in silico algorithms, and/or has population frequency not consistent with disease.

Breakthrough Genomics
Classification: Benign. Review status: criteria provided, single submitter. Criteria: ACMG Guidelines, 2015. Collection method: not provided. Allele origin: germline. Inheritance: Autosomal recessive inheritance. Affected: yes.